The following is an entry in ClinVar:

NM_004287.5(GOSR2):c.-23C>A

Genes: LRRC37A2 (leucine rich repeat containing 37 member A2), GOSR2 (golgi SNAP receptor complex member 2; plus strand). Cytogenetic location: 17q21.32.
Variant type: single nucleotide variant.
Coding change: c.-23C>A on transcript NM_004287.5 (MANE Select); 23 bases upstream of the start codon, C replaced by A.
Molecular consequence: 5 prime UTR variant. On other transcripts: non-coding transcript variant (3).
Genome position (GRCh38, 1-based): chr17:46,923,170, C>A. VCF-style: chr17-46923170-C-A. GRCh37 (hg19) VCF-style: chr17-45000536-C-A.
Other names: c.-23C>A (NM_001012511.3, NM_001321133.2, NM_001330252.2 and 4 more transcripts); c.-125C>A (NM_001321134.2); c.-488C>A (NM_001363851.2).
Identifiers: ClinVar variation 205626 (VCV000205626.1), dbSNP rs562237021, ClinGen allele CA314893.

ClinVar aggregate classification (germline): Benign (1 of 4 stars; one submission).

Allele frequency attached by ClinVar (database versions not stated): 1000 Genomes Project 30x 0.00016; 1000 Genomes Project 0.00020; ExAC 0.00033; gnomAD 0.00041 and 0.00044; TOPMed 0.00046.
gnomAD v4.1: 967 of 1,484,970 alleles (0.065%); highest among the groups gnomAD compares: Non-Finnish European, 0.083%; no homozygotes.

Submission:

GeneDx
Classification: Benign. Last evaluated: 2014-07-02. Review status: criteria provided, single submitter. Criteria: GeneDx Variant Classification (06012015). Collection method: clinical testing. Allele origin: germline. Affected: yes.
Comment: This variant is considered likely benign or benign based on one or more of the following criteria: it is a conservative change, it occurs at a poorly conserved position in the protein, it is predicted to be benign by multiple in silico algorithms, and/or has population frequency not consistent with disease.